The following is an entry in ClinVar:

NM_152268.4(PARS2):c.383G>A (p.Trp128Ter)

Gene: PARS2 (prolyl-tRNA synthetase 2, mitochondrial; minus strand). Cytogenetic location: 1p32.3.
Variant type: single nucleotide variant.
Coding change: c.383G>A on transcript NM_152268.4 (MANE Select); coding-DNA position 383, G replaced by A.
Protein change: p.Trp128Ter; replaces tryptophan 128 with a stop codon.
Molecular consequence: nonsense.
Genome position (GRCh38, 1-based): chr1:54,758,779, C>T on the plus strand (G>A on the coding strand, the complement: PARS2 is on the minus strand). VCF-style: chr1-54758779-C-T. GRCh37 (hg19) VCF-style: chr1-55224452-C-T.
Other names: short protein forms W128*.
Identifiers: ClinVar variation 489035 (VCV000489035.2), dbSNP rs1000886583, ClinGen allele CA22743279.

ClinVar aggregate classification (germline): Likely pathogenic (1 of 4 stars; one submission).

Allele frequency attached by ClinVar (database versions not stated): gnomAD exomes below 0.00001; gnomAD 0.00002 and 0.00003; TOPMed 0.00001 and 0.00002.
gnomAD v4.1: 4 of 1,614,062 alleles (0.00025%); highest among the groups gnomAD compares: African/African-American, 0.0053%; no homozygotes.

Submission:

GeneDx
Classification: Likely pathogenic. Last evaluated: 2017-08-04. Review status: criteria provided, single submitter. Criteria: GeneDx Variant Classification (06012015). Collection method: clinical testing. Allele origin: germline. Affected: yes.
Comment: The W128X nonsense variant in the PARS2 gene is predicted to cause loss of normal protein function through protein truncation. The W128X variant is not observed in large population cohorts (Lek et al., 2016; 1000 Genomes Consortium et al., 2015; Exome Variant Server). Although this variant has not been reported previously to our knowledge, it is likely a pathogenic variant.